The following is an entry in ClinVar:

ClinVar aggregate classification (somatic clinical impact): Tier I - Strong (1 of 4 stars; one submission).

Conditions:
Medulloblastoma WNT activated. Identifiers: MedGen C4331965, MONDO:0850196.

Submission:

Institute for Genomic Medicine (IGM) Clinical Laboratory, Nationwide Children's Hospital
Classification: Tier I - Strong for Medulloblastoma WNT activated. Assertion type: diagnostic. Clinical significance: supports diagnosis. Last evaluated: 2023-09-25. Review status: criteria provided, single submitter. Criteria: AMP/ASCO/CAP Guidelines, 2017. Collection method: clinical testing. Allele origin: somatic. Affected: yes.
Comment: Variant has Tier I (strong) clinical significance as a diagnostic inclusion criterion in medulloblastoma WNT activated, based on the following evidence: 1) Documented in one or more cancer databases (e.g., St. Jude Pecan, COSMIC, CIViC, OncoKB). 2) Appears in one or more well-established professional guidelines (e.g., World Health Organization [WHO]; National Comprehensive Cancer Network [NCCN]) as providing diagnostic, prognostic, or therapeutic information. 3) Diagnostic for a specific tumor type/classification based on well-powered studies with expert-level consensus (Evidence Level B; PMIDs: 21163964, 28726821, 22820256, 22832583, 22722829).

Literature cited by the submitters: PubMed 21163964; PubMed 28726821; PubMed 22820256; PubMed 22832583; PubMed 22722829.

NM_003072.5(SMARCA4):c.2648G>T (p.Gly883Val)

Gene: SMARCA4 (SWI/SNF related BAF chromatin remodeling complex subunit ATPase 4; plus strand). Cytogenetic location: 19p13.2.
Variant type: single nucleotide variant.
Coding change: c.2648G>T on transcript NM_003072.5 (MANE Select); coding-DNA position 2648, G replaced by T.
Protein change: p.Gly883Val; replaces glycine 883 with valine.
Molecular consequence: missense variant. On other transcripts: non-coding transcript variant (1).
Genome position (GRCh38, 1-based): chr19:11,021,756, G>T. VCF-style: chr19-11021756-G-T. GRCh37 (hg19) VCF-style: chr19-11132432-G-T.
Other names: c.2648G>T, p.Gly883Val (NM_001128844.3, NM_001128845.2, NM_001128846.2 and 6 more transcripts); short protein forms G883V.
Identifiers: ClinVar variation 4530270 (VCV004530270.1).